The following is an entry in ClinVar:

ClinVar aggregate classification (germline): Likely benign. Review status: criteria provided, multiple submitters, no conflicts (2 of 4 stars). 4 submissions from 4 submitters: Likely benign (3). 1 of the submissions does not count toward it. Last evaluated 2026-01-08.

Conditions:
GAA-related disorder. Also called: GAA-related condition.
Cardiovascular phenotype. Identifiers: MedGen CN230736.
Glycogen storage disease, type II (IOPD). Also called: POMPE DISEASE, INFANTILE-ONSET; GLYCOGEN STORAGE DISEASE II, INFANTILE-ONSET; ACID ALPHA-GLUCOSIDASE DEFICIENCY, INFANTILE-ONSET; GAA DEFICIENCY, INFANTILE-ONSET; ACID MALTASE DEFICIENCY, INFANTILE-ONSET; Glucosidase acid-1,4-alpha deficiency. Identifiers: Orphanet 365, MedGen C0017921, MONDO:0009290, OMIM 232300.

Allele frequency attached by ClinVar (database versions not stated): gnomAD exomes 0.00005 and 0.00006; ExAC 0.00006; gnomAD 0.00014 and 0.00016; TOPMed 0.00015; ESP Exome Variant Server 0.00031.
gnomAD v4.1: 100 of 1,613,548 alleles (0.0062%); highest among the groups gnomAD compares: African/African-American, 0.023%; no homozygotes.

Submissions (4):

Labcorp Genetics (formerly Invitae), Labcorp
Classification: Likely benign for Glycogen storage disease, type II. Last evaluated: 2026-01-08. Review status: criteria provided, single submitter. Criteria: Invitae Variant Classification Sherloc (09022015). Collection method: clinical testing. Allele origin: germline.

Ambry Genetics
Classification: Likely benign for Cardiovascular phenotype. Last evaluated: 2022-05-02. Review status: criteria provided, single submitter. Criteria: Ambry Variant Classification Scheme 2023. Collection method: clinical testing. Allele origin: germline.

Blueprint Genetics
Classification: Likely benign. Last evaluated: 2021-09-01. Review status: criteria provided, single submitter. Criteria: ACMG Guidelines, 2015. Collection method: clinical testing. Allele origin: germline.

PreventionGenetics, part of Exact Sciences
Classification: Likely benign for GAA-related condition. Last evaluated: 2020-08-20. Review status: no assertion criteria provided. Collection method: clinical testing. Allele origin: germline. Not counted in ClinVar's aggregate classification.
Comment: This variant is classified as likely benign based on ACMG/AMP sequence variant interpretation guidelines (Richards et al. 2015 PMID: 25741868, with internal and published modifications).

NM_000152.5(GAA):c.2274C>T (p.Ala758=)

Gene: GAA (alpha glucosidase; plus strand). Cytogenetic location: 17q25.3.
Variant type: single nucleotide variant.
Coding change: c.2274C>T on transcript NM_000152.5 (MANE Select); coding-DNA position 2274, C replaced by T.
Protein change: p.Ala758=; no amino-acid change (alanine 758 retained).
Molecular consequence: synonymous variant.
Genome position (GRCh38, 1-based): chr17:80,117,052, C>T. VCF-style: chr17-80117052-C-T. GRCh37 (hg19) VCF-style: chr17-78090851-C-T.
Other names: c.2274C>T, p.Ala758= (NM_001079803.3, NM_001079804.3); c.2274C>T (LRG_673t1, NM_000152.4).
Identifiers: ClinVar variation 456397 (VCV000456397.17), dbSNP rs150431943, ClinGen allele CA8815673.
Genomic context (GRCh38, chr17:80,117,052, plus strand): 5'-GACTGTGGACCACCAGCTCCTGTGGGGGGAGGCCCTGCTCATCACCCCAGTGCTCCAGGC[C>T]GGGAAGGCCGAAGTGACTGGCTACTTCCCCTTGGGCACATGGTACGACCTGCAGACGGTG-3'
Protein context (NP_000143.2, residues 748-768): EALLITPVLQ[Ala758=]GKAEVTGYFP